The following is an entry in ClinVar:

ClinVar aggregate classification (germline): Pathogenic/Likely pathogenic. Review status: criteria provided, multiple submitters, no conflicts (2 of 4 stars). 3 submissions from 3 submitters: Pathogenic (2); Likely pathogenic (1). Last evaluated 2025-07-14.

Conditions:
Dilated cardiomyopathy 1G (CMD1G). Identifiers: Orphanet 154, MedGen C1858763, MONDO:0011400, OMIM 604145.
Autosomal recessive limb-girdle muscular dystrophy type 2J (LGMDR10). Also called: MUSCULAR DYSTROPHY, LIMB-GIRDLE, AUTOSOMAL RECESSIVE 10; Limb-girdle muscular dystrophy, type 2J. Identifiers: Orphanet 140922, MedGen C1837342, MONDO:0012127, OMIM 608807.

Submissions (3):

Labcorp Genetics (formerly Invitae), Labcorp
Classification: Pathogenic for Dilated cardiomyopathy 1G; Autosomal recessive limb-girdle muscular dystrophy type 2J. Last evaluated: 2025-07-14. Review status: criteria provided, single submitter. Criteria: Invitae Variant Classification Sherloc (09022015). Collection method: clinical testing. Allele origin: germline.
Comment: This sequence change creates a premature translational stop signal (p.Gln15827*) in the TTN gene. While this is not anticipated to result in nonsense mediated decay, it is expected to create a truncated TTN protein. This variant is not present in population databases (gnomAD no frequency). This premature translational stop signal has been observed in individuals with dilated cardiomyopathy (internal data). ClinVar contains an entry for this variant (Variation ID: 202370). This variant is located in the A band of TTN (PMID: 25589632). Truncating variants in this region are significantly overrepresented in patients affected with dilated cardiomyopathy (PMID: 25589632). Truncating variants in this region have also been reported in individuals affected with autosomal recessive centronuclear myopathy (PMID: 23975875). For these reasons, this variant has been classified as Pathogenic.

Mayo Clinic Laboratories, Mayo Clinic
Classification: Likely pathogenic. Last evaluated: 2022-06-30. Review status: criteria provided, single submitter. Criteria: ACMG Guidelines, 2015. Collection method: clinical testing. Allele origin: germline. Observed: 1 variant allele.
Comment: PM2_supporting, PVS1

GeneDx
Classification: Pathogenic. Last evaluated: 2017-03-01. Review status: criteria provided, single submitter. Criteria: GeneDx Variant Classification (06012015). Collection method: clinical testing. Allele origin: germline. Affected: yes.
Comment: The Q14186X variant in the TTN gene has not been reported as a disease-causing variant or as a benign polymorphism to our knowledge. Q14186X is predicted to cause loss of normal protein function either by protein truncation or nonsense-mediated mRNA decay. Other truncating TTN variants have been reported in approximately 3% of control alleles (Herman D et al., 2012). However, Q14186X is located in the A-band region of titin, where the majority of truncating variants associated with DCM have been reported (Herman D et al., 2012). Furthermore, the Q14186X variant was not observed in approximately 6,100 individuals of European and African American ancestry in the NHLBI Exome Sequencing Project, indicating it is not a common benign variant in these populations.In summary, Q14186X in the TTN gene is interpreted as a disease-causing mutation.

Literature cited by the submitters: PubMed 25589632 (cited by Labcorp Genetics (formerly Invitae), Labcorp); PubMed 23975875 (cited by Labcorp Genetics (formerly Invitae), Labcorp).

NM_001267550.2(TTN):c.47479C>T (p.Gln15827Ter)

Genes: TTN (titin; minus strand), TTN-AS1 (TTN antisense RNA 1; plus strand). Cytogenetic location: 2q31.2.
Variant type: single nucleotide variant.
Coding change: c.47479C>T on transcript NM_001267550.2 (MANE Select); coding-DNA position 47479, C replaced by T.
Protein change: p.Gln15827Ter; replaces glutamine 15827 with a stop codon.
Molecular consequence: nonsense.
Genome position (GRCh38, 1-based): chr2:178,617,872, G>A on the plus strand (C>T on the coding strand, the complement: TTN is on the minus strand). VCF-style: chr2-178617872-G-A. GRCh37 (hg19) VCF-style: chr2-179482599-G-A.
Other names: p.Q14186*:CAG>TAG; p.Gln14186*; c.42556C>T, p.Gln14186Ter (NM_001256850.1); c.20284C>T, p.Gln6762Ter (NM_003319.4); c.39775C>T, p.Gln13259Ter (NM_133378.4); c.20659C>T, p.Gln6887Ter (NM_133432.3); c.20860C>T, p.Gln6954Ter (NM_133437.4); short protein forms Q14186*, Q15827*, Q13259*, Q6762*, Q6887*, Q6954*.
Identifiers: ClinVar variation 202370 (VCV000202370.7), dbSNP rs794729261, ClinGen allele CA309219.
Genomic context (GRCh38, chr2:178,617,872, plus strand): 5'-CTGCACTTGGTTTTCCAACTCCAATTCGATTTTGGGCTCTCACTCGGAAACTGTACTCCT[G>A]TCCTTCTACCACATCAGTAACAGTTGCAGACAGGTCTTCAGCTCTCACAGTCATGGCAGT-3'